The following is an entry in ClinVar:

NM_004525.3(LRP2):c.1244G>A (p.Arg415Gln)

Gene: LRP2 (LDL receptor related protein 2; minus strand). Cytogenetic location: 2q31.1.
Variant type: single nucleotide variant.
Coding change: c.1244G>A on transcript NM_004525.3 (MANE Select); coding-DNA position 1244, G replaced by A.
Protein change: p.Arg415Gln; replaces arginine 415 with glutamine.
Molecular consequence: missense variant.
Genome position (GRCh38, 1-based): chr2:169,280,447, C>T on the plus strand (G>A on the coding strand, the complement: LRP2 is on the minus strand). VCF-style: chr2-169280447-C-T. GRCh37 (hg19) VCF-style: chr2-170136957-C-T.
Other names: short protein forms R415Q.
Identifiers: ClinVar variation 1023148 (VCV001023148.5), dbSNP rs1574215499, ClinGen allele CA349150312.

ClinVar aggregate classification (germline): Uncertain significance (1 of 4 stars; one submission).

Allele frequency attached by ClinVar (database versions not stated): TOPMed below 0.00001; gnomAD exomes 0.00001.
gnomAD v4.1: 10 of 1,614,148 alleles (0.00062%); highest among the groups gnomAD compares: East Asian, 0.0045%; no homozygotes.

Submission:

Labcorp Genetics (formerly Invitae), Labcorp
Classification: Uncertain significance. Last evaluated: 2025-03-17. Review status: criteria provided, single submitter. Criteria: Invitae Variant Classification Sherloc (09022015). Collection method: clinical testing. Allele origin: germline.
Comment: This sequence change replaces arginine, which is basic and polar, with glutamine, which is neutral and polar, at codon 415 of the LRP2 protein (p.Arg415Gln). This variant is not present in population databases (gnomAD no frequency). This variant has not been reported in the literature in individuals affected with LRP2-related conditions. ClinVar contains an entry for this variant (Variation ID: 1023148). Invitae Evidence Modeling of protein sequence and biophysical properties (such as structural, functional, and spatial information, amino acid conservation, physicochemical variation, residue mobility, and thermodynamic stability) indicates that this missense variant is not expected to disrupt LRP2 protein function with a negative predictive value of 80%. In summary, the available evidence is currently insufficient to determine the role of this variant in disease. Therefore, it has been classified as a Variant of Uncertain Significance.